The following is an entry in ClinVar:

ClinVar aggregate classification (germline): Uncertain significance (1 of 4 stars; one submission).

Conditions:
Idiopathic generalized epilepsy. Also called: Generalised epilepsy; EIG. Identifiers: MedGen C0270850, MONDO:0005579, OMIM 600669.

Allele frequency attached by ClinVar (database versions not stated): gnomAD exomes 0.00001.
gnomAD v4.1: 3 of 1,614,068 alleles (0.00019%); highest among the groups gnomAD compares: Middle Eastern, 0.017%; no homozygotes.

Submission:

Labcorp Genetics (formerly Invitae), Labcorp
Classification: Uncertain significance for Idiopathic generalized epilepsy. Last evaluated: 2022-09-27. Review status: criteria provided, single submitter. Criteria: Invitae Variant Classification Sherloc (09022015). Collection method: clinical testing. Allele origin: germline.
Comment: This variant is not present in population databases (gnomAD no frequency). In summary, the available evidence is currently insufficient to determine the role of this variant in disease. Therefore, it has been classified as a Variant of Uncertain Significance. Advanced modeling of protein sequence and biophysical properties (such as structural, functional, and spatial information, amino acid conservation, physicochemical variation, residue mobility, and thermodynamic stability) performed at Invitae indicates that this missense variant is not expected to disrupt RBFOX1 protein function. This variant has not been reported in the literature in individuals affected with RBFOX1-related conditions. This sequence change replaces alanine, which is neutral and non-polar, with serine, which is neutral and polar, at codon 63 of the RBFOX1 protein (p.Ala63Ser).

NM_018723.4(RBFOX1):c.127G>T (p.Ala43Ser)

Gene: RBFOX1 (RNA binding fox-1 homolog 1; plus strand). Cytogenetic location: 16p13.3.
Variant type: single nucleotide variant.
Coding change: c.127G>T on transcript NM_018723.4 (MANE Select); coding-DNA position 127, G replaced by T.
Protein change: p.Ala43Ser; replaces alanine 43 with serine.
Molecular consequence: missense variant.
Genome position (GRCh38, 1-based): chr16:7,518,246, G>T. VCF-style: chr16-7518246-G-T. GRCh37 (hg19) VCF-style: chr16-7568248-G-T.
Other names: c.127G>T, p.Ala43Ser (NM_001142333.2, NM_001142334.2, NM_001364800.2); c.256G>T, p.Ala86Ser (NM_001308117.1, NM_001411047.1); c.187G>T, p.Ala63Ser (NM_145891.3, NM_145892.3, NM_145893.3); short protein forms A63S, A86S, A43S.
Identifiers: ClinVar variation 2174823 (VCV002174823.4), dbSNP rs2076793649, ClinGen allele CA394796496.